The following is an entry in ClinVar:

ClinVar aggregate classification (germline): Uncertain significance (1 of 4 stars; one submission).

Submission:

Labcorp Genetics (formerly Invitae), Labcorp
Classification: Uncertain significance. Last evaluated: 2022-01-14. Review status: criteria provided, single submitter. Criteria: Invitae Variant Classification Sherloc (09022015). Collection method: clinical testing. Allele origin: germline.
Comment: In summary, the available evidence is currently insufficient to determine the role of this variant in disease. Therefore, it has been classified as a Variant of Uncertain Significance. Experimental studies and prediction algorithms are not available or were not evaluated, and the functional significance of this variant is currently unknown. This variant has not been reported in the literature in individuals affected with RCBTB1-related conditions. This variant results in a copy number gain of the genomic region encompassing exon(s) 6 of the RCBTB1 gene. While the exact position of this variant cannot be determined from the data, sub-genic copy number gains are generally in tandem (PMID: 25640679). This variant is predicted to be in-frame, and likely preserves the integrity of the reading frame.

Literature cited by the submitters: PubMed 25640679.

NC_000013.10:g.(?_50129631)_(50129829_?)dup

Gene: RCBTB1 (RCC1 and BTB domain containing protein 1; minus strand). Cytogenetic location: 13q14.2.
Variant type: Duplication.
Identifiers: ClinVar variation 2426453 (VCV002426453.4).